The following is an entry in ClinVar:

NM_019032.6(ADAMTSL4):c.1842_1849del (p.Val615fs)

Genes: ADAMTSL4 (ADAMTS like 4; plus strand), ADAMTSL4-AS2 (ADAMTSL4 antisense RNA 2; minus strand). Cytogenetic location: 1q21.2.
Variant type: Deletion.
Coding change: c.1842_1849del on transcript NM_019032.6 (MANE Select); coding-DNA positions 1842 to 1849, 8 bases deleted (TGTCCCCC; older notation c.1842_1849delTGTCCCCC).
Protein change: p.Val615fs; shifts the reading frame from valine 615.
Molecular consequence: frameshift variant. On other transcripts: intron variant (1).
Genome position (GRCh38, 1-based): chr1:150,557,031-150,557,038, TGTCCCCC deleted; deleting any 8 consecutive bases within chr1:150,557,026-150,557,038 gives the same sequence; the c. name uses the placement nearest the transcript's 3' end. VCF-style (leftmost placement, unchanged base first): chr1-150557025-GCCCCCTGT-G. GRCh37 (hg19) VCF-style: chr1-150529501-GCCCCCTGT-G.
Other names: c.1911_1918del, p.Val638fs (NM_001288608.2); c.1842_1849del, p.Val615fs (NM_001378596.1, NM_025008.5); c.1856+55_1856+62del (NM_001288607.2); short protein forms V615fs, V638fs.
Identifiers: ClinVar variation 2958912 (VCV002958912.3), dbSNP rs2526720006, ClinGen allele CA2647815610.

ClinVar aggregate classification (germline): Pathogenic (1 of 4 stars; one submission).

Submission:

Labcorp Genetics (formerly Invitae), Labcorp
Classification: Pathogenic. Last evaluated: 2023-08-10. Review status: criteria provided, single submitter. Criteria: Invitae Variant Classification Sherloc (09022015). Collection method: clinical testing. Allele origin: germline.
Comment: This sequence change creates a premature translational stop signal (p.Val615Alafs*78) in the ADAMTSL4 gene. It is expected to result in an absent or disrupted protein product. Loss-of-function variants in ADAMTSL4 are known to be pathogenic (PMID: 20564469, 28642162). This variant is not present in population databases (gnomAD no frequency). This variant has not been reported in the literature in individuals affected with ADAMTSL4-related conditions. For these reasons, this variant has been classified as Pathogenic.

Literature cited by the submitters: PubMed 20564469; PubMed 28642162.